The following is an entry in ClinVar:

NM_000388.4(CASR):c.505T>C (p.Ser169Pro)

Gene: CASR (calcium sensing receptor; plus strand). Cytogenetic location: 3q21.1.
Variant type: single nucleotide variant.
Coding change: c.505T>C on transcript NM_000388.4 (MANE Select); coding-DNA position 505, T replaced by C.
Protein change: p.Ser169Pro; replaces serine 169 with proline.
Molecular consequence: missense variant.
Genome position (GRCh38, 1-based): chr3:122,261,540, T>C. VCF-style: chr3-122261540-T-C. GRCh37 (hg19) VCF-style: chr3-121980387-T-C.
Other names: c.505T>C, p.Ser169Pro (NM_001178065.2); short protein forms S169P.
Identifiers: ClinVar variation 532589 (VCV000532589.10), dbSNP rs1553766709, ClinGen allele CA354150732.

ClinVar aggregate classification (germline): Uncertain significance (1 of 4 stars; one submission).

Conditions:
Familial hypocalciuric hypercalcemia (FHH). Also called: Familial benign hypercalcemia. Identifiers: Orphanet 405, MedGen C1809471, MONDO:0018458.
Autosomal dominant hypocalcemia 1 (HYPOC1). Also called: HYPOCALCEMIA, FAMILIAL. Identifiers: MedGen C3715128, MONDO:0011013, OMIM 601198.

Submission:

Labcorp Genetics (formerly Invitae), Labcorp
Classification: Uncertain significance for Familial hypocalciuric hypercalcemia; Autosomal dominant hypocalcemia 1. Last evaluated: 2017-09-20. Review status: criteria provided, single submitter. Criteria: Invitae Variant Classification Sherloc (09022015). Collection method: clinical testing. Allele origin: germline.
Comment: This sequence change replaces serine with proline at codon 169 of the CASR protein (p.Ser169Pro). The serine residue is highly conserved and there is a moderate physicochemical difference between serine and proline. In summary, the available evidence is currently insufficient to determine the role of this variant in disease. Therefore, it has been classified as a Variant of Uncertain Significance. Algorithms developed to predict the effect of missense changes on protein structure and function (SIFT, PolyPhen-2, Align-GVGD) all suggest that this variant is likely to be disruptive, but these predictions have not been confirmed by published functional studies and their clinical significance is uncertain. This variant has not been reported in the literature in individuals with CASR-related disease. This variant is not present in population databases (ExAC no frequency).